The following is an entry in ClinVar:

ClinVar aggregate classification (germline): Uncertain significance. Review status: criteria provided, multiple submitters, no conflicts (2 of 4 stars). 4 submissions from 4 submitters: Uncertain significance (4). Last evaluated 2023-12-21.

Conditions:
Autosomal recessive limb-girdle muscular dystrophy type R18 (LGMDR18). Also called: Limb-girdle muscular dystrophy, type 2S; MUSCULAR DYSTROPHY, LIMB-GIRDLE, AUTOSOMAL RECESSIVE 18; Autosomal recessive limb-girdle muscular dystrophy type 2S. Identifiers: Orphanet 369840, MedGen C4517996, MONDO:0014144, OMIM 615356.

Allele frequency attached by ClinVar (database versions not stated): gnomAD exomes below 0.00001; ExAC 0.00001; gnomAD 0.00001; TOPMed 0.00002.
gnomAD v4.1: 38 of 1,543,708 alleles (0.0025%); highest among the groups gnomAD compares: Non-Finnish European, 0.003%; no homozygotes.

Submissions (4):

Athena Diagnostics
Classification: Uncertain significance. Last evaluated: 2023-12-21. Review status: criteria provided, single submitter. Criteria: Athena Diagnostics Criteria. Collection method: clinical testing. Allele origin: unknown.

GeneDx
Classification: Uncertain significance. Last evaluated: 2023-01-10. Review status: criteria provided, single submitter. Criteria: GeneDx Variant Classification Process June 2021. Collection method: clinical testing. Allele origin: germline. Affected: yes.
Comment: Not observed at significant frequency in large population cohorts (gnomAD); In silico analysis supports a deleterious effect on splicing; Has not been previously published as pathogenic or benign to our knowledge

Labcorp Genetics (formerly Invitae), Labcorp
Classification: Uncertain significance for Autosomal recessive limb-girdle muscular dystrophy type R18. Last evaluated: 2022-08-04. Review status: criteria provided, single submitter. Criteria: Invitae Variant Classification Sherloc (09022015). Collection method: clinical testing. Allele origin: germline.
Comment: This sequence change falls in intron 6 of the TRAPPC11 gene. It does not directly change the encoded amino acid sequence of the TRAPPC11 protein. It affects a nucleotide within the consensus splice site. This variant is present in population databases (rs770891745, gnomAD 0.004%). This variant has not been reported in the literature in individuals affected with TRAPPC11-related conditions. ClinVar contains an entry for this variant (Variation ID: 844472). Variants that disrupt the consensus splice site are a relatively common cause of aberrant splicing (PMID: 17576681, 9536098). Algorithms developed to predict the effect of sequence changes on RNA splicing suggest that this variant may disrupt the consensus splice site. In summary, the available evidence is currently insufficient to determine the role of this variant in disease. Therefore, it has been classified as a Variant of Uncertain Significance.

Revvity Omics, Revvity
Classification: Uncertain significance for Autosomal recessive limb-girdle muscular dystrophy type R18. Last evaluated: 2022-03-23. Review status: criteria provided, single submitter. Criteria: ACMG Guidelines, 2015. Collection method: clinical testing. Allele origin: germline.

Literature cited by the submitters: PubMed 17576681 (cited by Labcorp Genetics (formerly Invitae), Labcorp); PubMed 9536098 (cited by Labcorp Genetics (formerly Invitae), Labcorp).

NM_021942.6(TRAPPC11):c.660+5G>A

Gene: TRAPPC11 (trafficking protein particle complex subunit 11; plus strand). Cytogenetic location: 4q35.1.
Variant type: single nucleotide variant.
Coding change: c.660+5G>A on transcript NM_021942.6 (MANE Select); 5 bases into the intron after coding-DNA position 660, G replaced by A.
Molecular consequence: intron variant.
Genome position (GRCh38, 1-based): chr4:183,674,817, G>A. VCF-style: chr4-183674817-G-A. GRCh37 (hg19) VCF-style: chr4-184595970-G-A.
Other names: c.660+5G>A (NM_199053.3).
Identifiers: ClinVar variation 844472 (VCV000844472.9), dbSNP rs770891745, ClinGen allele CA3151645.
Genomic context (GRCh38, chr4:183,674,817, plus strand): 5'-CTGAGATCAGAAGAGTGAAATCTCATAAAGAATTTTTGAATAAAACAACACACCAGGTGC[G>A]TGATTTTTTGCAATAATAGAAGCATTCTGGAGCGGATTATTATTATTTTTGAGGTGATTA-3'